The following is an entry in ClinVar:

ClinVar aggregate classification (germline): Likely pathogenic (0 of 4 stars; one submission).

Conditions:
PDHA1-related disorder. Also called: PDHA1-related condition.

Submission:

PreventionGenetics, part of Exact Sciences
Classification: Likely pathogenic for PDHA1-related condition. Last evaluated: 2024-09-23. Review status: no assertion criteria provided. Collection method: clinical testing. Allele origin: germline.
Comment: The PDHA1 c.998_1001dupGTGA variant is predicted to result in a frameshift and premature protein termination (p.Asp334Glufs*2). To our knowledge, this variant has not been reported in the literature or in a large population database, indicating this variant is rare. Frameshift variants in PDHA1 are expected to be pathogenic. This variant is interpreted as likely pathogenic.

NM_000284.4(PDHA1):c.884_887dup (p.Asp296delinsGluTer)

Gene: PDHA1 (pyruvate dehydrogenase E1 subunit alpha 1; plus strand). Cytogenetic location: Xp22.12.
Variant type: Duplication.
Coding change: c.884_887dup on transcript NM_000284.4 (MANE Select); coding-DNA positions 884 to 887, 4 bases duplicated (GTGA; older notation c.884_887dupGTGA).
Protein change: p.Asp296delinsGluTer.
Molecular consequence: nonsense.
Genome position (GRCh38, 1-based): chrX:19,357,704-19,357,707, GTGA duplicated; duplicating any 4 consecutive bases within chrX:19,357,701-19,357,707 gives the same sequence; the c. name uses the placement nearest the transcript's 3' end. VCF-style (leftmost placement, unchanged base first): chrX-19357700-A-ATGAG. GRCh37 (hg19) VCF-style: chrX-19375818-A-ATGAG.
Other names: c.998_1001dup, p.Asp334delinsGluTer (NM_001173454.2); c.905_908dup, p.Asp303delinsGluTer (NM_001173455.2); c.791_794dup, p.Asp265delinsGluTer (NM_001173456.2).
Identifiers: ClinVar variation 3345013 (VCV003345013.1).